The following is an entry in ClinVar:

ClinVar aggregate classification (germline): Uncertain significance (1 of 4 stars; one submission).

Allele frequency attached by ClinVar (database versions not stated): gnomAD exomes below 0.00001 and 0.00001.
gnomAD v4.1: 16 of 1,614,124 alleles (0.00099%); highest among the groups gnomAD compares: Non-Finnish European, 0.0011%; no homozygotes.

Submission:

GeneDx
Classification: Uncertain significance. Last evaluated: 2020-10-19. Review status: criteria provided, single submitter. Criteria: GeneDx Variant Classification Process June 2021. Collection method: clinical testing. Allele origin: germline. Affected: yes.
Comment: Not observed at a significant frequency in large population cohorts (Lek et al., 2016); In silico analysis supports that this missense variant does not alter protein structure/function; Has not been previously published as pathogenic or benign to our knowledge

NM_013275.6(ANKRD11):c.4445A>C (p.Asp1482Ala)

Gene: ANKRD11 (ankyrin repeat domain containing 11; minus strand). Cytogenetic location: 16q24.3.
Variant type: single nucleotide variant.
Coding change: c.4445A>C on transcript NM_013275.6 (MANE Select); coding-DNA position 4445, A replaced by C.
Protein change: p.Asp1482Ala; replaces aspartic acid 1482 with alanine.
Molecular consequence: missense variant.
Genome position (GRCh38, 1-based): chr16:89,282,097, T>G on the plus strand (A>C on the coding strand, the complement: ANKRD11 is on the minus strand). VCF-style: chr16-89282097-T-G. GRCh37 (hg19) VCF-style: chr16-89348505-T-G.
Other names: c.4445A>C, p.Asp1482Ala (NM_001256182.2, NM_001256183.2); short protein forms D1482A.
Identifiers: ClinVar variation 1313288 (VCV001313288.2), dbSNP rs1567568863, ClinGen allele CA397157552.
Genomic context (GRCh38, chr16:89,282,097, plus strand): 5'-GGCTTCTGCTCGTCCCTGTGATGCCGCAGGAGCTCGTCCCTGTGATGCCGCAGCAGCCCA[T>G]CCGCATGCCTGTCCCGGTGCCTCTCCTTCTCGTCTCTCCATTTCTCCCTGTGTTTCTCTC-3'
Protein context (NP_037407.4, residues 1472-1492): EKERHRDRHA[Asp1482Ala]GLLRHHRDEL